The following is an entry in ClinVar:

NM_002332.3(LRP1):c.5239C>T (p.Leu1747=)

Gene: LRP1 (LDL receptor related protein 1; plus strand). Cytogenetic location: 12q13.3.
Variant type: single nucleotide variant.
Coding change: c.5239C>T on transcript NM_002332.3 (MANE Select); coding-DNA position 5239, C replaced by T.
Protein change: p.Leu1747=; no amino-acid change (leucine 1747 retained).
Molecular consequence: synonymous variant.
Genome position (GRCh38, 1-based): chr12:57,180,332, C>T. VCF-style: chr12-57180332-C-T. GRCh37 (hg19) VCF-style: chr12-57574115-C-T.
Identifiers: ClinVar variation 3345645 (VCV003345645.1).
Genomic context (GRCh38, chr12:57,180,332, plus strand): 5'-CTTCCCTGGATCCCCAGCCCTGGGCCAGACTCCCCGGCAGTGACTCCCCCTTTTCCAGGC[C>T]TGGCTATTGACTTCCCTGAAAGCAAACTCTACTGGATCAGCTCCGGGAACCATACCATCA-3'
Protein context (NP_002323.2, residues 1737-1757): LFSGQKGPVG[Leu1747=]AIDFPESKLY

ClinVar aggregate classification (germline): Likely benign (0 of 4 stars; one submission).

Conditions:
LRP1-related disorder. Also called: LRP1-related condition.

gnomAD v4.1: 4 of 1,613,900 alleles (0.00025%); highest among the groups gnomAD compares: Non-Finnish European, 0.00034%; no homozygotes.

Submission:

PreventionGenetics, part of Exact Sciences
Classification: Likely benign for LRP1-related condition. Last evaluated: 2020-02-14. Review status: no assertion criteria provided. Collection method: clinical testing. Allele origin: germline.
Comment: This variant is classified as likely benign based on ACMG/AMP sequence variant interpretation guidelines (Richards et al. 2015 PMID: 25741868, with internal and published modifications).